The following is an entry in ClinVar:

NM_201384.3(PLEC):c.3352G>T (p.Val1118Leu)

Gene: PLEC (plectin; minus strand). Cytogenetic location: 8q24.3.
Variant type: single nucleotide variant.
Coding change: c.3352G>T on transcript NM_201384.3 (MANE Select); coding-DNA position 3352, G replaced by T.
Protein change: p.Val1118Leu; replaces valine 1118 with leucine.
Molecular consequence: missense variant.
Genome position (GRCh38, 1-based): chr8:143,927,901, C>A on the plus strand (G>T on the coding strand, the complement: PLEC is on the minus strand). VCF-style: chr8-143927901-C-A. GRCh37 (hg19) VCF-style: chr8-145002069-C-A.
Other names: c.3433G>T, p.Val1145Leu (NM_000445.5, NM_001410941.1); c.3310G>T, p.Val1104Leu (NM_201378.4); c.3286G>T, p.Val1096Leu (NM_201379.3); c.3763G>T, p.Val1255Leu (NM_201380.4); c.3256G>T, p.Val1086Leu (NM_201381.3); c.3352G>T, p.Val1118Leu (NM_201382.4); c.3364G>T, p.Val1122Leu (NM_201383.3); short protein forms V1086L, V1096L, V1104L, V1255L, V1118L, V1122L, V1145L.
Identifiers: ClinVar variation 4782975 (VCV004782975.1).

ClinVar aggregate classification (germline): Uncertain significance (1 of 4 stars; one submission).

Conditions:
Epidermolysis bullosa simplex with nail dystrophy (EBS5D). Identifiers: MedGen C4225309, MONDO:0014661, OMIM 616487.
Epidermolysis bullosa simplex, Ogna type (EBS5A). Also called: Pidermolysis bullosa simplex 5A, Ogna type; EPIDERMOLYSIS BULLOSA SIMPLEX 5A, OGNA TYPE. Identifiers: Orphanet 79401, MedGen C0432317, MONDO:0007555, OMIM 131950.
Epidermolysis bullosa simplex 5B, with muscular dystrophy (EBS5B). Also called: Epidermolysis bullosa simplex with muscular dystrophy; EPIDERMOLYSIS BULLOSA SIMPLEX AND LIMB-GIRDLE MUSCULAR DYSTROPHY. Identifiers: Orphanet 257, MedGen C2931072, MONDO:0009181, OMIM 226670.
Autosomal recessive limb-girdle muscular dystrophy type 2Q (LGMDR17). Also called: MUSCULAR DYSTROPHY, LIMB-GIRDLE, AUTOSOMAL RECESSIVE 17. Identifiers: Orphanet 254361, MedGen C3150989, MONDO:0013390, OMIM 613723.
Epidermolysis bullosa simplex 5C, with pyloric atresia (EBS5C). Also called: PLEC-Related Epidermolysis Bullosa with Pyloric Atresia; Epidermolysis bullosa simplex with pyloric atresia; PLEC1-Related Epidermolysis Bullosa with Pyloric Atresia. Identifiers: Orphanet 158684, MedGen C2677349, MONDO:0012807, OMIM 612138.

gnomAD v4.1: 1 of 1,595,800 alleles (0.000063%); highest among the groups gnomAD compares: Non-Finnish European, 0.000085%; no homozygotes.

Submission:

Labcorp Genetics (formerly Invitae), Labcorp
Classification: Uncertain significance for Autosomal recessive limb-girdle muscular dystrophy type 2Q; Epidermolysis bullosa simplex, Ogna type; Epidermolysis bullosa simplex with nail dystrophy; Epidermolysis bullosa simplex 5C, with pyloric atresia; Epidermolysis bullosa simplex 5B, with muscular dystrophy. Last evaluated: 2025-10-01. Review status: criteria provided, single submitter. Criteria: Invitae Variant Classification Sherloc (09022015). Collection method: clinical testing. Allele origin: germline.
Comment: This sequence change replaces valine, which is neutral and non-polar, with leucine, which is neutral and non-polar, at codon 1145 of the PLEC protein (p.Val1145Leu). This variant is not present in population databases (gnomAD no frequency). This variant has not been reported in the literature in individuals affected with PLEC-related conditions. Invitae Evidence Modeling of protein sequence and biophysical properties (such as structural, functional, and spatial information, amino acid conservation, physicochemical variation, residue mobility, and thermodynamic stability) indicates that this missense variant is not expected to disrupt PLEC protein function with a negative predictive value of 80%. In summary, the available evidence is currently insufficient to determine the role of this variant in disease. Therefore, it has been classified as a Variant of Uncertain Significance.